The following is an entry in ClinVar:

NM_000059.4(BRCA2):c.612_613insTGAG (p.Ser205Ter)

Gene: BRCA2 (BRCA2 DNA repair associated; plus strand). Cytogenetic location: 13q13.1.
Variant type: Insertion.
Coding change: c.612_613insTGAG on transcript NM_000059.4 (MANE Select); coding-DNA positions 612 to 613, TGAG inserted.
Protein change: p.Ser205Ter; replaces serine 205 with a stop codon.
Molecular consequence: nonsense.
Genome position: GRCh38 VCF-style: chr13-32326594-T-TTGAG. GRCh37 (hg19) VCF-style: chr13-32900731-T-TTGAG.
Other names: short protein forms S205*.
Identifiers: ClinVar variation 548376 (VCV000548376.1), dbSNP rs1555281102, ClinGen allele CA658823638.

ClinVar aggregate classification (germline): Pathogenic (3 of 4 stars; one submission).

Conditions:
Breast-ovarian cancer, familial, susceptibility to, 2 (BROVCA2). Also called: BRCA2 Hereditary Breast and Ovarian Cancer. Identifiers: Orphanet 145, MedGen C2675520, MONDO:0012933, OMIM 612555. Disease mechanism: loss of function.

Submission:

Evidence-based Network for the Interpretation of Germline Mutant Alleles (ENIGMA)
Classification: Pathogenic for Breast-ovarian cancer, familial, susceptibility to, 2. Last evaluated: 2017-12-15. Review status: reviewed by expert panel. Criteria: ENIGMA BRCA1/2 Classification Criteria (2017-06-29). Collection method: curation. Allele origin: germline. Study: ENIGMA.
Comment: Variant allele predicted to encode a truncated non-functional protein.